The following is an entry in ClinVar:

NM_001393504.1(MAST3):c.517G>A (p.Gly173Ser)

Genes: MAST3 (microtubule associated serine/threonine kinase 3; plus strand), LOC126862876 (BRD4-independent group 4 enhancer GRCh37_chr19:18232970-18234169; plus strand). Cytogenetic location: 19p13.11.
Variant type: single nucleotide variant.
Coding change: c.517G>A on transcript NM_001393504.1 (MANE Select); coding-DNA position 517, G replaced by A.
Protein change: p.Gly173Ser; replaces glycine 173 with serine.
Molecular consequence: missense variant.
Genome position (GRCh38, 1-based): chr19:18,123,334, G>A. VCF-style: chr19-18123334-G-A. GRCh37 (hg19) VCF-style: chr19-18234144-G-A.
Other names: c.448G>A, p.Gly150Ser (NM_001393512.1, NM_001393517.1, NM_001393518.1 and 2 more transcripts); c.469G>A, p.Gly157Ser (NM_001393513.1, NM_001393506.1); c.430G>A, p.Gly144Ser (NM_001393514.1, NM_015016.2); c.427G>A, p.Gly143Ser (NM_001393515.1, NM_001393520.1); c.451G>A, p.Gly151Ser (NM_001393516.1, NM_001393508.1); c.445G>A, p.Gly149Ser (NM_001393519.1, NM_001393511.1); c.403G>A, p.Gly135Ser (NM_001393521.1); c.541G>A, p.Gly181Ser (NM_001393501.1); and 5 more; short protein forms G135S, G143S, G144S, G149S, G150S, G151S, G157S, G166S.
Identifiers: ClinVar variation 2649563 (VCV002649563.24), dbSNP rs370052741, ClinGen allele CA9305594.

ClinVar aggregate classification (germline): Likely benign. Review status: criteria provided, multiple submitters, no conflicts (2 of 4 stars). 2 submissions from 2 submitters: Likely benign (2). Last evaluated 2026-07-01.

Conditions:
Inborn genetic diseases. Identifiers: MedGen C0950123, MeSH D030342.

Allele frequency attached by ClinVar (database versions not stated): 1000 Genomes Project 30x 0.00016; 1000 Genomes Project 0.00020; ExAC 0.00037; TOPMed 0.00046; ESP Exome Variant Server 0.00049; gnomAD 0.00052.
gnomAD v4.1: 1,489 of 1,613,330 alleles (0.092%); highest among the groups gnomAD compares: Non-Finnish European, 0.12%; 2 homozygotes.

Submissions (2):

CeGaT Center for Human Genetics Tuebingen
Classification: Likely benign. Last evaluated: 2026-07-01. Review status: criteria provided, single submitter. Criteria: CeGaT Center For Human Genetics Tuebingen Variant Classification Criteria Version 2. Collection method: clinical testing. Allele origin: germline. Affected: yes. Observed: 4 variant alleles.
Comment: MAST3: BP4, BS1

Ambry Genetics
Classification: Likely benign for Inborn genetic diseases. Last evaluated: 2025-05-28. Review status: criteria provided, single submitter. Criteria: Ambry Variant Classification Scheme 2023. Collection method: clinical testing. Allele origin: germline.